The following is an entry in ClinVar:

ClinVar aggregate classification (germline): Uncertain significance (1 of 4 stars; one submission).

Allele frequency attached by ClinVar (database versions not stated): gnomAD exomes below 0.00001.
gnomAD v4.1: 3 of 1,610,406 alleles (0.00019%); highest among the groups gnomAD compares: Non-Finnish European, 0.00025%; no homozygotes.

Submission:

GeneDx
Classification: Uncertain significance. Last evaluated: 2021-06-04. Review status: criteria provided, single submitter. Criteria: GeneDx Variant Classification Process June 2021. Collection method: clinical testing. Allele origin: germline. Affected: yes.
Comment: Not observed at significant frequency in large population cohorts (Lek et al., 2016); In silico analysis supports that this missense variant does not alter protein structure/function; Has not been previously published as pathogenic or benign to our knowledge; This variant is associated with the following publications: (PMID: 27535533)

NM_020821.3(VPS13C):c.719A>G (p.Asn240Ser)

Gene: VPS13C (vacuolar protein sorting 13 homolog C; minus strand). Cytogenetic location: 15q22.2.
Variant type: single nucleotide variant.
Coding change: c.719A>G on transcript NM_020821.3 (MANE Select); coding-DNA position 719, A replaced by G.
Protein change: p.Asn240Ser; replaces asparagine 240 with serine.
Molecular consequence: missense variant.
Genome position (GRCh38, 1-based): chr15:62,013,958, T>C on the plus strand (A>G on the coding strand, the complement: VPS13C is on the minus strand). VCF-style: chr15-62013958-T-C. GRCh37 (hg19) VCF-style: chr15-62306157-T-C.
Other names: c.719A>G, p.Asn240Ser (NM_001018088.3); c.590A>G, p.Asn197Ser (NM_017684.5, NM_018080.4); short protein forms N197S, N240S.
Identifiers: ClinVar variation 1312675 (VCV001312675.2), dbSNP rs2140521334, ClinGen allele CA392689995.
Genomic context (GRCh38, chr15:62,013,958, plus strand): 5'-GGAAACTAACAAAAATTTTTATTCCAACATAATACCTTGTATATAATTTTGTCTGCTTCA[T>C]TTAATATGCATGGAGTCCAGTGTTCATTTGCAGTCTAAAAGAAAAAAGGGAATACCTGTG-3'
Protein context (NP_065872.1, residues 230-250): ANEHWTPCIL[Asn240Ser]EADKIIYKLI